The following is an entry in ClinVar:

ClinVar aggregate classification (germline): Uncertain significance (1 of 4 stars; one submission).

Conditions:
Hereditary spherocytosis type 1. Also called: Spherocytosis type 1; ANK1-Related Spherocytosis. Identifiers: Orphanet 822, MedGen C2674218, MONDO:0008447, OMIM 182900.

Submission:

Neuberg Centre For Genomic Medicine, NCGM
Classification: Uncertain significance for Hereditary spherocytosis type 1. Review status: criteria provided, single submitter. Criteria: ACMG Guidelines, 2015. Collection method: clinical testing. Allele origin: germline. Affected: yes.
Comment: The missense variant p.M1482V in ANK1 (NM_000037.4) has not been reported previously as a pathogenic variant nor as a benign variant, to our knowledge. The p.M1482V variant is novel (not in any individuals) in gnomAD Exomes and is novel (not in any individuals) in 1000 Genomes. There is a small physicochemical difference between methionine and valine, which is not likely to impact secondary protein structure as these residues share similar properties. Insilico tools state the variant to be tolerated and the residue is conserved across species. For these reasons, this variant has been classified as Uncertain Significance.

NM_000037.4(ANK1):c.4444A>G (p.Met1482Val)

Genes: ANK1 (ankyrin 1; minus strand), LOC126860368 (BRD4-independent group 4 enhancer GRCh37_chr8:41541049-41542248; plus strand). Cytogenetic location: 8p11.21.
Variant type: single nucleotide variant.
Coding change: c.4444A>G on transcript NM_000037.4 (MANE Select); coding-DNA position 4444, A replaced by G.
Protein change: p.Met1482Val; replaces methionine 1482 with valine.
Molecular consequence: missense variant.
Genome position (GRCh38, 1-based): chr8:41,684,637, T>C on the plus strand (A>G on the coding strand, the complement: ANK1 is on the minus strand). VCF-style: chr8-41684637-T-C. GRCh37 (hg19) VCF-style: chr8-41542155-T-C.
Other names: c.4567A>G, p.Met1523Val (NM_001142446.2); c.4444A>G, p.Met1482Val (NM_020475.3, NM_020476.3, NM_020477.3); short protein forms M1482V, M1523V.
Identifiers: ClinVar variation 1339200 (VCV001339200.2), dbSNP rs2150578454, ClinGen allele CA371057163.